The following is an entry in ClinVar:

NM_207122.2(EXT2):c.1620T>C (p.Asp540=)

Gene: EXT2 (exostosin glycosyltransferase 2; plus strand). Cytogenetic location: 11p11.2.
Variant type: single nucleotide variant.
Coding change: c.1620T>C on transcript NM_207122.2 (MANE Select); coding-DNA position 1620, T replaced by C.
Protein change: p.Asp540=; no amino-acid change (aspartic acid 540 retained).
Molecular consequence: synonymous variant.
Genome position (GRCh38, 1-based): chr11:44,206,917, T>C. VCF-style: chr11-44206917-T-C. GRCh37 (hg19) VCF-style: chr11-44228467-T-C.
Other names: c.1719T>C, p.Asp573= (NM_000401.3); c.1650T>C, p.Asp550= (NM_001178083.3); c.1620T>C, p.Asp540= (NM_001389628.1, NM_001389630.1).
Identifiers: ClinVar variation 4534746 (VCV004534746.6).

ClinVar aggregate classification (germline): Likely benign (1 of 4 stars; one submission).

gnomAD v4.1: 2 of 1,614,122 alleles (0.00012%); highest among the groups gnomAD compares: Non-Finnish European, 0.00017%; no homozygotes.

Submission:

CeGaT Center for Human Genetics Tuebingen
Classification: Likely benign. Last evaluated: 2025-11-01. Review status: criteria provided, single submitter. Criteria: CeGaT Center For Human Genetics Tuebingen Variant Classification Criteria Version 2. Collection method: clinical testing. Allele origin: germline. Affected: yes. Observed: 1 variant allele.
Comment: EXT2: BP4, BP7